The following is an entry in ClinVar:

ClinVar aggregate classification (germline): Uncertain significance (1 of 4 stars; one submission).

Allele frequency attached by ClinVar (database versions not stated): TOPMed 0.00002.
gnomAD v4.1: 1 of 1,613,240 alleles (0.000062%); highest among the groups gnomAD compares: Non-Finnish European, 0.000085%; no homozygotes.

Submission:

Labcorp Genetics (formerly Invitae), Labcorp
Classification: Uncertain significance. Last evaluated: 2022-03-15. Review status: criteria provided, single submitter. Criteria: Invitae Variant Classification Sherloc (09022015). Collection method: clinical testing. Allele origin: germline.
Comment: In summary, the available evidence is currently insufficient to determine the role of this variant in disease. Therefore, it has been classified as a Variant of Uncertain Significance. Algorithms developed to predict the effect of missense changes on protein structure and function (SIFT, PolyPhen-2, Align-GVGD) all suggest that this variant is likely to be tolerated. This variant has not been reported in the literature in individuals affected with ABCD3-related conditions. This variant is not present in population databases (gnomAD no frequency). This sequence change replaces isoleucine, which is neutral and non-polar, with leucine, which is neutral and non-polar, at codon 427 of the ABCD3 protein (p.Ile427Leu).

NM_002858.4(ABCD3):c.1279A>T (p.Ile427Leu)

Gene: ABCD3 (ATP binding cassette subfamily D member 3; plus strand). Cytogenetic location: 1p21.3.
Variant type: single nucleotide variant.
Coding change: c.1279A>T on transcript NM_002858.4 (MANE Select); coding-DNA position 1279, A replaced by T.
Protein change: p.Ile427Leu; replaces isoleucine 427 with leucine.
Molecular consequence: missense variant.
Genome position (GRCh38, 1-based): chr1:94,489,932, A>T. VCF-style: chr1-94489932-A-T. GRCh37 (hg19) VCF-style: chr1-94955488-A-T.
Other names: short protein forms I427L.
Identifiers: ClinVar variation 2146020 (VCV002146020.4), dbSNP rs762703708, ClinGen allele CA341304301.